The following is an entry in ClinVar:

NM_015681.6(B9D1):c.22G>A (p.Val8Ile)

Genes: B9D1 (B9 domain containing 1; minus strand), LOC130060455 (ATAC-STARR-seq lymphoblastoid silent region 8288; plus strand). Cytogenetic location: 17p11.2.
Variant type: single nucleotide variant.
Coding change: c.22G>A on transcript NM_015681.6 (MANE Select); coding-DNA position 22, G replaced by A.
Protein change: p.Val8Ile; replaces valine 8 with isoleucine.
Molecular consequence: missense variant. On other transcripts: intron variant (1).
Genome position (GRCh38, 1-based): chr17:19,362,548, C>T on the plus strand (G>A on the coding strand, the complement: B9D1 is on the minus strand). VCF-style: chr17-19362548-C-T. GRCh37 (hg19) VCF-style: chr17-19265861-C-T.
Other names: c.22G>A, p.Val8Ile (NM_001321214.2, NM_001321215.3, NM_001321216.2 and 4 more transcripts); c.-297-2160G>A (NM_001368769.2); short protein forms V8I.
Identifiers: ClinVar variation 2061297 (VCV002061297.3), dbSNP rs745981234, ClinGen allele CA8440397.

ClinVar aggregate classification (germline): Uncertain significance (1 of 4 stars; one submission).

Conditions:
Joubert syndrome. Also called: CEREBELLOPARENCHYMAL DISORDER IV; JOUBERT-BOLTSHAUSER SYNDROME; Familial aplasia of the vermis. Identifiers: Orphanet 475, MedGen C5979921, MONDO:0018772.
Meckel-Gruber syndrome. Also called: DYSENCEPHALIA SPLANCHNOCYSTICA; GRUBER SYNDROME; Dysencephalia splachnocystica. Identifiers: Orphanet 564, MedGen C0265215, MONDO:0018921.

Allele frequency attached by ClinVar (database versions not stated): gnomAD 0.00001; TOPMed 0.00001; ExAC 0.00003.
gnomAD v4.1: 129 of 1,588,532 alleles (0.0081%); highest among the groups gnomAD compares: Non-Finnish European, 0.011%; no homozygotes.

Submission:

Labcorp Genetics (formerly Invitae), Labcorp
Classification: Uncertain significance for Joubert syndrome; Meckel-Gruber syndrome. Last evaluated: 2022-03-24. Review status: criteria provided, single submitter. Criteria: Invitae Variant Classification Sherloc (09022015). Collection method: clinical testing. Allele origin: germline.
Comment: In summary, the available evidence is currently insufficient to determine the role of this variant in disease. Therefore, it has been classified as a Variant of Uncertain Significance. This sequence change replaces valine, which is neutral and non-polar, with isoleucine, which is neutral and non-polar, at codon 8 of the B9D1 protein (p.Val8Ile). This variant is present in population databases (rs745981234, gnomAD 0.006%). This variant has not been reported in the literature in individuals affected with B9D1-related conditions. Algorithms developed to predict the effect of missense changes on protein structure and function (SIFT, PolyPhen-2, Align-GVGD) all suggest that this variant is likely to be tolerated.